The following is an entry in ClinVar:

ClinVar aggregate classification (germline): Pathogenic. Review status: reviewed by expert panel (3 of 4 stars). 12 submissions from 12 submitters: Pathogenic (1). 11 of the submissions do not count toward it. Last evaluated 2016-09-08.

Conditions:
BRCA2-related disorder. Also called: BRCA2-related condition; BRCA2-related disorders. Identifiers: MedGen CN239275.
Hereditary cancer-predisposing syndrome. Also called: Tumor predisposition; Neoplastic Syndromes, Hereditary; Hereditary neoplastic syndrome; Hereditary Cancer Syndrome. Identifiers: Orphanet 140162, MedGen C0027672, MeSH D009386, MONDO:0015356.
Hereditary breast ovarian cancer syndrome. Also called: Hereditary breast and ovarian cancer syndrome; Hereditary breast and ovarian cancer; Hereditary breast and ovarian cancer syndrome (HBOC); Hereditary breast and/or ovarian cancer syndrome; BRCA1- and BRCA2-Associated Hereditary Breast and Ovarian Cancer; Breast and ovarian cancer. Identifiers: Orphanet 145, MedGen C0677776, MeSH D061325, MONDO:0003582. Disease mechanism: loss of function.
Breast-ovarian cancer, familial, susceptibility to, 2 (BROVCA2). Also called: BRCA2 Hereditary Breast and Ovarian Cancer. Identifiers: Orphanet 145, MedGen C2675520, MONDO:0012933, OMIM 612555. Disease mechanism: loss of function.
Familial cancer of breast. Also called: BREAST CANCER, FAMILIAL; Hereditary breast cancer; hereditary breast carcinoma. Identifiers: Orphanet 227535, MedGen C0346153, MONDO:0016419, OMIM 114480. Disease mechanism: loss of function.

Submissions (12):

Evidence-based Network for the Interpretation of Germline Mutant Alleles (ENIGMA)
Classification: Pathogenic for Breast-ovarian cancer, familial, susceptibility to, 2. Last evaluated: 2016-09-08. Review status: reviewed by expert panel. Criteria: ENIGMA BRCA1/2 Classification Criteria (2015). Collection method: curation. Allele origin: germline.
Comment: Variant allele predicted to encode a truncated non-functional protein.

GeneKor MSA
Classification: Pathogenic for Hereditary breast ovarian cancer syndrome. Last evaluated: 2025-06-26. Review status: criteria provided, single submitter. Criteria: ACMG Guidelines, 2015. Collection method: clinical testing. Allele origin: germline. Affected: yes. Not counted in ClinVar's aggregate classification.
Comment: This is a single base substitution, replacing Serine with a termination codon in the BRCA2 gene. This results in the production of a truncated, non-functional protein. Truncating variants in BRCA2 are known to be pathogenic (PMID:20104584). This variant is present in population databases (rs80359156) and has been reported in multiple individuals with breast cancer (PMID:28724667, 35264596). The mutation database ClinVar contains entries for this variant where it is listed as pathogenic (VCV000141162.23). Based on the classification criteria set by the ACMG and AMP (PMID:25741868) this variant has been classified as pathogenic.

PreventionGenetics, part of Exact Sciences
Classification: Pathogenic for BRCA2-related condition. Last evaluated: 2024-12-05. Review status: criteria provided, single submitter. Criteria: ACMG Guidelines, 2015. Collection method: clinical testing. Allele origin: germline. Not counted in ClinVar's aggregate classification.
Comment: The BRCA2 c.9041C>G variant is predicted to result in premature protein termination (p.Ser3014*). This variant has been reported in multiple individuals with breast cancer in cohort studies (Sun et al. 2017. PubMed ID: 28724667. Table S3; Guindalini et al. 2022. PubMed ID: 35264596. Table S2). This variant has not been reported in a large population database (gnomAD), indicating this variant is rare. This variant is reported as pathogenic in ClinVar. Nonsense variants in BRCA2 are expected to be pathogenic. This variant is interpreted as pathogenic.

OLLIN Analises Genomicas, OLLIN
Classification: Pathogenic for Familial cancer of breast. Last evaluated: 2024-11-14. Review status: criteria provided, single submitter. Criteria: ACMG Guidelines 2015 PMID 25741868. Collection method: clinical testing. Allele origin: germline. Affected: yes. Observed: 1 variant allele. Not counted in ClinVar's aggregate classification.
Comment: The nonsense variant (chr13:32379837 C>G), located in exon 23 (of 27), absent in gnomAD v4.1 non-UKB, is reported in ClinVar (VCV000141162.25) and in the scientific literature (PMID: 28492532, 20104584, 28152038). This variant introduces a premature stop codon, resulting in a truncated protein or mRNA degradation via nonsense-mediated decay (NMD). According to currently available evidence and specific interpretation and classification criteria for the ClinGen gene (PMID: 39142283), this variant has been classified as pathogenic (PVS1, PS4, PM2_P).

Labcorp Genetics (formerly Invitae), Labcorp
Classification: Pathogenic for Hereditary breast ovarian cancer syndrome. Last evaluated: 2024-08-15. Review status: criteria provided, single submitter. Criteria: Invitae Variant Classification Sherloc (09022015). Collection method: clinical testing. Allele origin: germline. Not counted in ClinVar's aggregate classification.
Comment: This sequence change creates a premature translational stop signal (p.Ser3014*) in the BRCA2 gene. It is expected to result in an absent or disrupted protein product. Loss-of-function variants in BRCA2 are known to be pathogenic (PMID: 20104584). This variant is not present in population databases (gnomAD no frequency). This variant has not been reported in the literature in individuals affected with BRCA2-related conditions. ClinVar contains an entry for this variant (Variation ID: 141162). For these reasons, this variant has been classified as Pathogenic.

Baylor Genetics
Classification: Pathogenic for Familial cancer of breast. Last evaluated: 2023-11-17. Review status: criteria provided, single submitter. Criteria: ACMG Guidelines, 2015. Collection method: clinical testing. Allele origin: unknown. Not counted in ClinVar's aggregate classification.

Quest Diagnostics Nichols Institute San Juan Capistrano
Classification: Pathogenic. Last evaluated: 2022-10-01. Review status: criteria provided, single submitter. Criteria: Quest Diagnostics criteria. Collection method: clinical testing. Allele origin: unknown. Not counted in ClinVar's aggregate classification.
Comment: This nonsense variant causes the premature termination of BRCA2 protein synthesis. This variant has not been reported in large, multi-ethnic general populations. In the published literature, the variant has been reported in affected individuals with breast cancer (PMID: 32427313 (2020)). Based on the available information, this variant is classified as pathogenic.

Ambry Genetics
Classification: Pathogenic for Hereditary cancer-predisposing syndrome. Last evaluated: 2022-09-26. Review status: criteria provided, single submitter. Criteria: Ambry Variant Classification Scheme 2023. Collection method: clinical testing. Allele origin: germline. Not counted in ClinVar's aggregate classification.
Comment: The p.S3014* pathogenic mutation (also known as c.9041C>G), located in coding exon 22 of the BRCA2 gene, results from a C to G substitution at nucleotide position 9041. This changes the amino acid from a serine to a stop codon within coding exon 22. This mutation was detected twice in a cohort of 8085 consecutive unselected Chinese breast cancer patients who underwent multi-gene panel testing (Sun J et al. Clin. Cancer Res., 2017 Oct;23:6113-6119). In addition to the clinical data presented in the literature, this alteration is expected to result in loss of function by premature protein truncation or nonsense-mediated mRNA decay. As such, this alteration is interpreted as a disease-causing mutation.

Color Diagnostics, LLC DBA Color Health
Classification: Pathogenic for Hereditary cancer-predisposing syndrome. Last evaluated: 2020-11-23. Review status: criteria provided, single submitter. Criteria: ACMG Guidelines, 2015. Collection method: clinical testing. Allele origin: germline. Not counted in ClinVar's aggregate classification.
Comment: This variant changes 1 nucleotide in exon 23 of the BRCA2 gene, creating a premature translation stop signal. This variant is expected to result in an absent or non-functional protein product. To our knowledge, this variant has not been reported in individuals affected with hereditary cancer in the literature. A similar variant (with a different nucleotide change but resulting in the same premature stop in exon 23) has been reported in individuals affected with breast cancer (PMID: 28724667). This variant has not been identified in the general population by the Genome Aggregation Database (gnomAD). Loss of BRCA2 function is a known mechanism of disease. Based on the available evidence, this variant is classified as Pathogenic.

Women's Health and Genetics/Laboratory Corporation of America, LabCorp
Classification: Likely pathogenic for Hereditary breast and ovarian cancer syndrome. Last evaluated: 2018-12-17. Review status: criteria provided, single submitter. Criteria: LabCorp Variant Classification Summary - May 2015. Collection method: clinical testing. Allele origin: germline. Not counted in ClinVar's aggregate classification.
Comment: Variant summary: BRCA2 c.9041C>G (p.Ser3014X) results in a premature termination codon, predicted to cause a truncation of the encoded protein or absence of the protein due to nonsense mediated decay, which are commonly known mechanisms for disease. Truncations downstream of this position have been classified as pathogenic by our laboratory (eg. c.9076C>T (p.Gln3026X), c.9196C>T (p.Gln3066X), c.9294C>G (p.Tyr3098X)). The variant was absent in 245312 control chromosomes (gnomAD). c.9041C>G has been reported in the literature in individuals undergoing germline targeted NGS multi-gene panel testing . It is important to note, a variant at the same nucleotide position as the variant of interest which causes a different nucleotide change (c.9041C>A) but the same amino-acid change (p.S3014X) has been reported in individuals affected with Breast Cancer (Sun_2017) and it is cited in ClinVar as pathogenic. Five ClinVar submissions from clinical diagnostic laboratories and reputable databases (evaluation after 2014) cite the variant of interest as pathogenic. Based on the evidence outlined above, the variant was classified as likely pathogenic.

GeneDx
Classification: Pathogenic. Last evaluated: 2018-11-23. Review status: criteria provided, single submitter. Criteria: GeneDx Variant Classification (06012015). Collection method: clinical testing. Allele origin: germline. Affected: yes. Not counted in ClinVar's aggregate classification.
Comment: This pathogenic variant is denoted BRCA2 c.9041C>G at the cDNA level and p.Ser3014Ter (S3014X) at the protein level. Using alternate nomenclature this variant would be defined as BRCA2 9269C>G. The substitution creates a nonsense variant, which changes a Serine to a premature stop codon (TCA>TGA), and is predicted to cause loss of normal protein function through either protein truncation or nonsense-mediated mRNA decay. This variant has been reported in at least one individual who underwent whole exome sequencing, with no clinical phenotype information provided (LaDuca 2017). This variant is considered pathogenic.

Mendelics
Classification: Pathogenic for Hereditary breast and ovarian cancer syndrome. Last evaluated: 2018-07-02. Review status: criteria provided, single submitter. Criteria: Mendelics Assertion Criteria 2017. Collection method: clinical testing. Allele origin: unknown. Not counted in ClinVar's aggregate classification.

Literature cited by the submitters: PubMed 20104584 (cited by 3 submitters); PubMed 28724667 (cited by GeneKor MSA and Ambry Genetics); PubMed 35264596 (cited by GeneKor MSA); PubMed 28152038 (cited by 3 submitters); PubMed 39142283 (cited by OLLIN Analises Genomicas, OLLIN); PubMed 32427313 (cited by Quest Diagnostics Nichols Institute San Juan Capistrano).

NM_000059.4(BRCA2):c.9041C>G (p.Ser3014Ter)

Gene: BRCA2 (BRCA2 DNA repair associated; plus strand). Cytogenetic location: 13q13.1.
Variant type: single nucleotide variant.
Coding change: c.9041C>G on transcript NM_000059.4 (MANE Select); coding-DNA position 9041, C replaced by G.
Protein change: p.Ser3014Ter; replaces serine 3014 with a stop codon.
Molecular consequence: nonsense.
Genome position (GRCh38, 1-based): chr13:32,379,837, C>G. VCF-style: chr13-32379837-C-G. GRCh37 (hg19) VCF-style: chr13-32953974-C-G.
Other names: short protein forms S3014*.
Identifiers: ClinVar variation 141162 (VCV000141162.27), dbSNP rs80359156, ClinGen allele CA025940.